The following is an entry in ClinVar:

ClinVar aggregate classification (germline): Likely pathogenic (1 of 4 stars; one submission).

Conditions:
Inborn genetic diseases. Identifiers: MedGen C0950123, MeSH D030342.

Submission:

Ambry Genetics
Classification: Likely pathogenic for Inborn genetic diseases. Last evaluated: 2025-06-24. Review status: criteria provided, single submitter. Criteria: Ambry Variant Classification Scheme 2023. Collection method: clinical testing. Allele origin: germline.
Comment: The c.40_50del11 variant, located in coding exon 2 of the DDX41 gene, results from a deletion of 11 nucleotides at nucleotide positions 40 to 50, causing a translational frameshift with a predicted alternate stop codon (p.D14Cfs*11). The predicted stop codon occurs in the 5&rsquo; end of theDDX41 gene. Premature termination codons in the 5&rsquo; end of a gene have been reported to escape nonsense-mediated mRNAdecay and/or lead to re-initiation (Rivas et al. Science. 2015 May 8;348(6235):666-9; Lindeboom et al. Nat Genet. 2016 Oct;48(10):1112-8; Rhee et al. Sci Rep. 2017 May 10;7(1):1653). Direct evidence for this alteration is unavailable, however premature termination codons are typically deleterious in nature. This variant is considered to be rare based on population cohorts in the Genome Aggregation Database (gnomAD). Based on the majority of available evidence to date, this variant is likely to be pathogenic.

NM_016222.4(DDX41):c.40_50del (p.Asp14fs)

Gene: DDX41 (DEAD-box helicase 41; minus strand). Cytogenetic location: 5q35.3.
Variant type: Deletion.
Coding change: c.40_50del on transcript NM_016222.4 (MANE Select); coding-DNA positions 40 to 50, 11 bases deleted (GACGAGGTGCC).
Protein change: p.Asp14fs; shifts the reading frame from aspartic acid 14.
Molecular consequence: frameshift variant. On other transcripts: 5 prime UTR variant (2).
Genome position (GRCh38, 1-based): chr5:177,516,813-177,516,823, GGCACCTCGTC deleted on the plus strand (GACGAGGTGCC on the coding strand, the reverse complement: DDX41 is on the minus strand); deleting any 11 consecutive bases within chr5:177,516,813-177,516,825 gives the same sequence; the c. name uses the placement nearest the transcript's 3' end. VCF-style (leftmost placement, unchanged base first): chr5-177516812-AGGCACCTCGTC-A. GRCh37 (hg19) VCF-style: chr5-176943813-AGGCACCTCGTC-A.
Other names: c.-616_-606del (NM_001321732.2); c.-408_-398del (NM_001321830.2); short protein forms D14fs.
Identifiers: ClinVar variation 4238722 (VCV004238722.1).